The following is an entry in ClinVar:

NM_001267550.2(TTN):c.11311+1188T>C

Gene: TTN (titin; minus strand). Cytogenetic location: 2q31.2.
Variant type: single nucleotide variant.
Coding change: c.11311+1188T>C on transcript NM_001267550.2 (MANE Select); 1188 bases into the intron after coding-DNA position 11311, T replaced by C.
Molecular consequence: intron variant. On other transcripts: synonymous variant (1).
Genome position (GRCh38, 1-based): chr2:178,751,936, A>G on the plus strand (T>C on the coding strand, the complement: TTN is on the minus strand). VCF-style: chr2-178751936-A-G. GRCh37 (hg19) VCF-style: chr2-179616663-A-G.
Other names: c.10464T>C, p.Tyr3488= (NM_133379.5); c.10222+1188T>C (NM_003319.4); c.10798+1188T>C (NM_133437.4); c.10597+1188T>C (NM_133432.3); c.10360+1188T>C (NM_133378.4, NM_001256850.1).
Identifiers: ClinVar variation 4979675 (VCV004979675.1).

ClinVar aggregate classification (germline): Likely benign (1 of 4 stars; one submission).

Conditions:
TTN-related disorder. Also called: TTN-related condition; TTN-related disease; TTN-related disorders.

gnomAD v4.1: 16 of 1,589,038 alleles (0.001%); highest among the groups gnomAD compares: African/African-American, 0.0027%; no homozygotes.

Submission:

PreventionGenetics, part of Exact Sciences
Classification: Likely benign for TTN-related condition. Last evaluated: 2025-12-15. Review status: criteria provided, single submitter. Criteria: ACMG Guidelines, 2015. Collection method: clinical testing. Allele origin: germline.
Comment: This variant is classified as likely benign based on ACMG/AMP sequence variant interpretation guidelines (Richards et al. 2015 PMID: 25741868, with internal and published modifications).